The following is an entry in ClinVar:

ClinVar aggregate classification (germline): Uncertain significance (1 of 4 stars; one submission).

Conditions:
Long QT syndrome (LQTS). Identifiers: MedGen C0023976, MeSH D008133, MONDO:0002442. Disease mechanism: loss of function. Inheritance: Various modes of inheritance.

Allele frequency attached by ClinVar (database versions not stated): gnomAD exomes below 0.00001.
gnomAD v4.1: 1 of 1,614,066 alleles (0.000062%); highest among the groups gnomAD compares: Non-Finnish European, 0.000085%; no homozygotes.

Submission:

Labcorp Genetics (formerly Invitae), Labcorp
Classification: Uncertain significance for Long QT syndrome. Last evaluated: 2016-04-04. Review status: criteria provided, single submitter. Criteria: Invitae Variant Classification Sherloc (09022015). Collection method: clinical testing. Allele origin: germline.
Comment: This sequence change replaces serine with leucine at codon 3267 of the ANK2 protein (p.Ser3267Leu). The serine residue is moderately conserved and there is a large physicochemical difference between serine and leucine. In summary, this variant is a novel missense change that is not predicted to affect protein function. There is no indication that it causes disease, but the available evidence is currently insufficient to prove that conclusively. Therefore, it has been classified as a Variant of Uncertain Significance. Algorithms developed to predict the effect of missense changes on protein structure and function (SIFT, PolyPhen-2, Align-GVGD) all suggest that this variant is likely to be tolerated, but these predictions have not been confirmed by published functional studies. This variant is not present in population databases (ExAC no frequency) and has not been reported in the literature in individuals with a ANK2-related disease.

NM_001148.6(ANK2):c.9800C>T (p.Ser3267Leu)

Gene: ANK2 (ankyrin 2; plus strand). Cytogenetic location: 4q26.
Variant type: single nucleotide variant.
Coding change: c.9800C>T on transcript NM_001148.6 (MANE Select); coding-DNA position 9800, C replaced by T.
Protein change: p.Ser3267Leu; replaces serine 3267 with leucine.
Molecular consequence: missense variant. On other transcripts: intron variant (68).
Genome position (GRCh38, 1-based): chr4:113,358,418, C>T. VCF-style: chr4-113358418-C-T. GRCh37 (hg19) VCF-style: chr4-114279574-C-T.
Other names: c.9566C>T, p.Ser3189Leu (NM_001386142.1); c.6200C>T, p.Ser2067Leu (NM_001386166.1); c.9941C>T, p.Ser3314Leu (NM_001386174.1); c.9917C>T, p.Ser3306Leu (NM_001386175.1); c.4412-2405C>T (NM_001386186.2, NM_001386148.2); c.4214-2405C>T (NM_001354269.3); c.4292-2405C>T (NM_001386187.2); c.4253-2405C>T (NM_001386147.1); and 35 more; short protein forms S3267L, S2067L, S3189L, S3306L, S3314L.
Identifiers: ClinVar variation 406467 (VCV000406467.5), dbSNP rs1060501156, ClinGen allele CA16611523.
Genomic context (GRCh38, chr4:113,358,418, plus strand): 5'-CTTCTGAACCAGCTGTACAAGTCCAGTTAGATTTTTCCACACTCACCAGGTCTGTTTATT[C>T]AGATAGGGGTGATGATTCTCCCGATTCTTCCCCAGAAGAACAGAAATCAGTAATCGAGAT-3'
Protein context (NP_001139.3, residues 3257-3277): DFSTLTRSVY[Ser3267Leu]DRGDDSPDSS